The following is an entry in ClinVar:

NM_001384474.1(LOXHD1):c.6050-1G>A

Gene: LOXHD1 (lipoxygenase homology PLAT domains 1; minus strand). Cytogenetic location: 18q21.1.
Variant type: single nucleotide variant.
Coding change: c.6050-1G>A on transcript NM_001384474.1 (MANE Select); the canonical splice acceptor site of the intron before coding-DNA position 6050, G replaced by A.
Molecular consequence: splice acceptor variant.
Genome position (GRCh38, 1-based): chr18:46,485,152, C>T on the plus strand (G>A on the coding strand, the complement: LOXHD1 is on the minus strand). VCF-style: chr18-46485152-C-T. GRCh37 (hg19) VCF-style: chr18-44065115-C-T.
Other names: c.2717-1G>A (NM_001145472.3); c.2429-1G>A (NM_001308013.2); c.767-1G>A (NM_001173129.2, NM_001145473.3); c.5864-1G>A (NM_144612.7).
Identifiers: ClinVar variation 1516621 (VCV001516621.7), dbSNP rs2143559471, ClinGen allele CA402366481.

ClinVar aggregate classification (germline): Likely pathogenic. Review status: criteria provided, multiple submitters, no conflicts (2 of 4 stars). 2 submissions from 2 submitters: Likely pathogenic (2). Last evaluated 2023-11-13.

Conditions:
LOXHD1-related disorder. Also called: LOXHD1-related condition.

Allele frequency attached by ClinVar (database versions not stated): gnomAD exomes below 0.00001.
gnomAD v4.1: 5 of 1,548,938 alleles (0.00032%); highest among the groups gnomAD compares: Non-Finnish European, 0.00035%; no homozygotes.

Submissions (2):

Labcorp Genetics (formerly Invitae), Labcorp
Classification: Likely pathogenic. Last evaluated: 2023-11-13. Review status: criteria provided, single submitter. Criteria: Invitae Variant Classification Sherloc (09022015). Collection method: clinical testing. Allele origin: germline.
Comment: This sequence change affects an acceptor splice site in intron 37 of the LOXHD1 gene. It is expected to disrupt RNA splicing. Variants that disrupt the donor or acceptor splice site typically lead to a loss of protein function (PMID: 16199547), and loss-of-function variants in LOXHD1 are known to be pathogenic (PMID: 19732867, 21465660, 25792669). This variant is not present in population databases (gnomAD no frequency). This variant has not been reported in the literature in individuals affected with LOXHD1-related conditions. ClinVar contains an entry for this variant (Variation ID: 1516621). Algorithms developed to predict the effect of sequence changes on RNA splicing suggest that this variant may disrupt the consensus splice site. In summary, the currently available evidence indicates that the variant is pathogenic, but additional data are needed to prove that conclusively. Therefore, this variant has been classified as Likely Pathogenic.

Blueprint Genetics
Classification: Likely pathogenic for LOXHD1-related disorders. Last evaluated: 2019-03-14. Review status: criteria provided, single submitter. Criteria: ACMG Guidelines, 2015. Collection method: clinical testing. Allele origin: germline. Affected: yes. Observed: 1 variant allele.

Literature cited by the submitters: PubMed 16199547 (cited by Labcorp Genetics (formerly Invitae), Labcorp); PubMed 19732867 (cited by Labcorp Genetics (formerly Invitae), Labcorp); PubMed 21465660 (cited by Labcorp Genetics (formerly Invitae), Labcorp); PubMed 25792669 (cited by Labcorp Genetics (formerly Invitae), Labcorp).